The following is an entry in ClinVar:

NM_025099.6(CTC1):c.3577A>G (p.Arg1193Gly)

Gene: CTC1 (CST telomere replication complex component 1; minus strand). Cytogenetic location: 17p13.1.
Variant type: single nucleotide variant.
Coding change: c.3577A>G on transcript NM_025099.6 (MANE Select); coding-DNA position 3577, A replaced by G.
Protein change: p.Arg1193Gly; replaces arginine 1193 with glycine.
Molecular consequence: missense variant. On other transcripts: non-coding transcript variant (1).
Genome position (GRCh38, 1-based): chr17:8,228,257, T>C on the plus strand (A>G on the coding strand, the complement: CTC1 is on the minus strand). VCF-style: chr17-8228257-T-C. GRCh37 (hg19) VCF-style: chr17-8131575-T-C.
Other names: short protein forms R1193G.
Identifiers: ClinVar variation 1368101 (VCV001368101.6), dbSNP rs2151496778, ClinGen allele CA397967730.

ClinVar aggregate classification (germline): Uncertain significance (1 of 4 stars; one submission).

Conditions:
Dyskeratosis congenita. Identifiers: Orphanet 1775, MedGen C0265965, MONDO:0015780.

Submission:

Labcorp Genetics (formerly Invitae), Labcorp
Classification: Uncertain significance for Dyskeratosis congenita. Last evaluated: 2023-05-22. Review status: criteria provided, single submitter. Criteria: Invitae Variant Classification Sherloc (09022015). Collection method: clinical testing. Allele origin: germline.
Comment: This variant has not been reported in the literature in individuals affected with CTC1-related conditions. This sequence change replaces arginine, which is basic and polar, with glycine, which is neutral and non-polar, at codon 1193 of the CTC1 protein (p.Arg1193Gly). This variant is not present in population databases (gnomAD no frequency). ClinVar contains an entry for this variant (Variation ID: 1368101). An algorithm developed to predict the effect of missense changes on protein structure and function (PolyPhen-2) suggests that this variant is likely to be disruptive. In summary, the available evidence is currently insufficient to determine the role of this variant in disease. Therefore, it has been classified as a Variant of Uncertain Significance.